The following is an entry in ClinVar:

NM_005876.5(SPEG):c.2572C>A (p.Arg858Ser)

Gene: SPEG (striated muscle enriched protein kinase; plus strand). Cytogenetic location: 2q35.
Variant type: single nucleotide variant.
Coding change: c.2572C>A on transcript NM_005876.5 (MANE Select); coding-DNA position 2572, C replaced by A.
Protein change: p.Arg858Ser; replaces arginine 858 with serine.
Molecular consequence: missense variant.
Genome position (GRCh38, 1-based): chr2:219,462,013, C>A. VCF-style: chr2-219462013-C-A. GRCh37 (hg19) VCF-style: chr2-220326735-C-A.
Other names: c.2572C>A (NM_005876.4); c.25C>A, p.Arg9Ser (NM_001173476.2); short protein forms R9S, R858S.
Identifiers: ClinVar variation 1506110 (VCV001506110.9), dbSNP rs199582765, ClinGen allele CA2125881.

ClinVar aggregate classification (germline): Uncertain significance. Review status: criteria provided, multiple submitters, no conflicts (2 of 4 stars). 2 submissions from 2 submitters: Uncertain significance (2). Last evaluated 2022-10-03.

Conditions:
Inborn genetic diseases. Identifiers: MedGen C0950123, MeSH D030342.

Allele frequency attached by ClinVar (database versions not stated): 1000 Genomes Project 30x 0.00016.
gnomAD v4.1: 16 of 1,612,726 alleles (0.00099%); highest among the groups gnomAD compares: African/African-American, 0.012%; no homozygotes.

Submissions (2):

Ambry Genetics
Classification: Uncertain significance for Inborn genetic diseases. Last evaluated: 2022-10-03. Review status: criteria provided, single submitter. Criteria: Ambry Variant Classification Scheme 2023. Collection method: clinical testing. Allele origin: germline.

Labcorp Genetics (formerly Invitae), Labcorp
Classification: Uncertain significance. Last evaluated: 2022-05-25. Review status: criteria provided, single submitter. Criteria: Invitae Variant Classification Sherloc (09022015). Collection method: clinical testing. Allele origin: germline.
Comment: This sequence change replaces arginine, which is basic and polar, with serine, which is neutral and polar, at codon 858 of the SPEG protein (p.Arg858Ser). In summary, the available evidence is currently insufficient to determine the role of this variant in disease. Therefore, it has been classified as a Variant of Uncertain Significance. Algorithms developed to predict the effect of missense changes on protein structure and function are either unavailable or do not agree on the potential impact of this missense change (SIFT: "Deleterious"; PolyPhen-2: "Benign"; Align-GVGD: "Class C0"). This variant has not been reported in the literature in individuals affected with SPEG-related conditions. This variant is present in population databases (rs199582765, gnomAD 0.01%).